The following is an entry in ClinVar:

NM_001081.4(CUBN):c.10235C>T (p.Pro3412Leu)

Gene: CUBN (cubilin; minus strand). Cytogenetic location: 10p13.
Variant type: single nucleotide variant.
Coding change: c.10235C>T on transcript NM_001081.4 (MANE Select); coding-DNA position 10235, C replaced by T.
Protein change: p.Pro3412Leu; replaces proline 3412 with leucine.
Molecular consequence: missense variant.
Genome position (GRCh38, 1-based): chr10:16,835,141, G>A on the plus strand (C>T on the coding strand, the complement: CUBN is on the minus strand). VCF-style: chr10-16835141-G-A. GRCh37 (hg19) VCF-style: chr10-16877140-G-A.
Other names: short protein forms P3412L.
Identifiers: ClinVar variation 1514979 (VCV001514979.8), dbSNP rs556303931, ClinGen allele CA5422435.

ClinVar aggregate classification (germline): Uncertain significance. Review status: criteria provided, multiple submitters, no conflicts (2 of 4 stars). 2 submissions from 2 submitters: Uncertain significance (2). Last evaluated 2024-01-24.

Conditions:
Proteinuria, chronic benign. Identifiers: MedGen C5394384, MONDO:0030042, OMIM 618884.
Imerslund-Grasbeck syndrome type 1 (IGS1). Also called: Imerslund-Gräsbeck syndrome 1; Megaloblastic anemia 1, Finnish type; MEGALOBLASTIC ANEMIA, 1. Identifiers: MedGen C4016819, MONDO:0100156, OMIM 261100.
Imerslund-Grasbeck syndrome. Also called: PERNICIOUS ANEMIA, JUVENILE, DUE TO SELECTIVE INTESTINAL MALABSORPTION OF VITAMIN B12, WITH PROTEINURIA; Megaloblastic anemia due to inborn errors of metabolism; ENTEROCYTE COBALAMIN MALABSORPTION; ENTEROCYTE INTRINSIC FACTOR RECEPTOR, DEFECT OF; Imerslund-Gräsbeck syndrome. Identifiers: Orphanet 35858, MedGen C4551825, MONDO:0009853.

Allele frequency attached by ClinVar (database versions not stated): 1000 Genomes Project 30x 0.00016; gnomAD exomes 0.00001 and 0.00002; gnomAD 0.00005; ExAC 0.00001; TOPMed 0.00002; 1000 Genomes Project 0.00020.
gnomAD v4.1: 28 of 1,614,104 alleles (0.0017%); highest among the groups gnomAD compares: African/African-American, 0.0067%; no homozygotes.

Submissions (2):

Fulgent Genetics
Classification: Uncertain significance for Imerslund-Grasbeck syndrome type 1; Proteinuria, chronic benign. Last evaluated: 2024-01-24. Review status: criteria provided, single submitter. Criteria: ACMG Guidelines, 2015. Collection method: clinical testing. Allele origin: germline.

Labcorp Genetics (formerly Invitae), Labcorp
Classification: Uncertain significance for Imerslund-Grasbeck syndrome. Last evaluated: 2021-12-29. Review status: criteria provided, single submitter. Criteria: Invitae Variant Classification Sherloc (09022015). Collection method: clinical testing. Allele origin: germline.
Comment: In summary, the available evidence is currently insufficient to determine the role of this variant in disease. Therefore, it has been classified as a Variant of Uncertain Significance. Algorithms developed to predict the effect of missense changes on protein structure and function are either unavailable or do not agree on the potential impact of this missense change (SIFT: "Deleterious"; PolyPhen-2: "Probably Damaging"; Align-GVGD: "Class C0"). This variant has not been reported in the literature in individuals affected with CUBN-related conditions. This variant is present in population databases (rs556303931, gnomAD 0.01%). This sequence change replaces proline, which is neutral and non-polar, with leucine, which is neutral and non-polar, at codon 3412 of the CUBN protein (p.Pro3412Leu).